The following is an entry in ClinVar:

NM_001267550.2(TTN):c.93592del (p.Arg31198fs)

Genes: TTN (titin; minus strand), TTN-AS1 (TTN antisense RNA 1; plus strand). Cytogenetic location: 2q31.2.
Variant type: Deletion.
Coding change: c.93592del on transcript NM_001267550.2 (MANE Select); coding-DNA position 93592, one base deleted (A; older notation c.93592delA).
Protein change: p.Arg31198fs; shifts the reading frame from arginine 31198.
Molecular consequence: frameshift variant.
Genome position (GRCh38, 1-based): chr2:178,548,034, T deleted on the plus strand (A on the coding strand, the reverse complement: TTN is on the minus strand). VCF-style (leftmost placement, unchanged base first): chr2-178548033-CT-C. GRCh37 (hg19) VCF-style: chr2-179412760-CT-C.
Other names: c.88669del, p.Arg29557fs (NM_001256850.1); c.66397del, p.Arg22133fs (NM_003319.4); c.85888del, p.Arg28630fs (NM_133378.4); c.66772del, p.Arg22258fs (NM_133432.3); c.66973del, p.Arg22325fs (NM_133437.4); short protein forms R31198fs, R22325fs, R29557fs, R22133fs, R22258fs, R28630fs.
Identifiers: ClinVar variation 2009666 (VCV002009666.4), dbSNP rs2469114073, ClinGen allele CA2580064598.
Genomic context (GRCh38, chr2:178,548,033, plus strand): 5'-GTGAGGTCAGCAGTGGGCTCGATTTGAGGCTCCTTAATGATGACAGAAGAGAAGGCTTCT[CT>C]GGGTTCACTATAGCCAGCATCATTCTTGGCCTTCACACGGAATTCATATTCAGTTTTCTC-3'

ClinVar aggregate classification (germline): Likely pathogenic (1 of 4 stars; one submission).

Conditions:
Dilated cardiomyopathy 1G (CMD1G). Identifiers: Orphanet 154, MedGen C1858763, MONDO:0011400, OMIM 604145.
Autosomal recessive limb-girdle muscular dystrophy type 2J (LGMDR10). Also called: Limb-girdle muscular dystrophy, type 2J; MUSCULAR DYSTROPHY, LIMB-GIRDLE, AUTOSOMAL RECESSIVE 10. Identifiers: Orphanet 140922, MedGen C1837342, MONDO:0012127, OMIM 608807.

Submission:

Labcorp Genetics (formerly Invitae), Labcorp
Classification: Likely pathogenic for Dilated cardiomyopathy 1G; Autosomal recessive limb-girdle muscular dystrophy type 2J. Last evaluated: 2022-07-08. Review status: criteria provided, single submitter. Criteria: Invitae Variant Classification Sherloc (09022015). Collection method: clinical testing. Allele origin: germline.
Comment: This variant is located in the A band of TTN (PMID: 25589632). Truncating variants in this region are significantly overrepresented in patients affected with dilated cardiomyopathy (PMID: 25589632). Truncating variants in this region have also been reported in individuals affected with autosomal recessive centronuclear myopathy (PMID: 23975875). This sequence change creates a premature translational stop signal (p.Arg31198Glufs*28) in the TTN gene. While this is not anticipated to result in nonsense mediated decay, it is expected to create a truncated TTN protein. This variant is not present in population databases (gnomAD no frequency). This variant has not been reported in the literature in individuals affected with TTN-related conditions. In summary, the currently available evidence indicates that the variant is pathogenic, but additional data are needed to prove that conclusively. Therefore, this variant has been classified as Likely Pathogenic.

Literature cited by the submitters: PubMed 25589632; PubMed 23975875.